The following is an entry in ClinVar:

ClinVar aggregate classification (germline): Uncertain significance. Review status: criteria provided, multiple submitters, no conflicts (2 of 4 stars). 4 submissions from 4 submitters: Uncertain significance (4). Last evaluated 2023-10-24.

Conditions:
Inborn genetic diseases. Identifiers: MedGen C0950123, MeSH D030342.
Amyotrophic lateral sclerosis type 21. Also called: VOCAL CORD AND PHARYNGEAL DYSFUNCTION WITH DISTAL MYOPATHY; MYOPATHY, DISTAL, 2. Identifiers: Orphanet 600, Orphanet 803, MedGen C3807521, MONDO:0011632, OMIM 606070.

Allele frequency attached by ClinVar (database versions not stated): ExAC 0.00001; gnomAD 0.00001 and 0.00002; gnomAD exomes 0.00001; TOPMed 0.00002.
gnomAD v4.1: 12 of 1,614,034 alleles (0.00074%); highest among the groups gnomAD compares: South Asian, 0.0033%; no homozygotes.

Submissions (4):

Labcorp Genetics (formerly Invitae), Labcorp
Classification: Uncertain significance for Amyotrophic lateral sclerosis type 21. Last evaluated: 2023-10-24. Review status: criteria provided, single submitter. Criteria: Invitae Variant Classification Sherloc (09022015). Collection method: clinical testing. Allele origin: germline.
Comment: This sequence change replaces aspartic acid, which is acidic and polar, with asparagine, which is neutral and polar, at codon 680 of the MATR3 protein (p.Asp680Asn). This variant is present in population databases (rs752161415, gnomAD 0.006%). This variant has not been reported in the literature in individuals affected with MATR3-related conditions. ClinVar contains an entry for this variant (Variation ID: 474081). Advanced modeling of protein sequence and biophysical properties (such as structural, functional, and spatial information, amino acid conservation, physicochemical variation, residue mobility, and thermodynamic stability) performed at Invitae indicates that this missense variant is not expected to disrupt MATR3 protein function with a negative predictive value of 80%. In summary, the available evidence is currently insufficient to determine the role of this variant in disease. Therefore, it has been classified as a Variant of Uncertain Significance.

Ambry Genetics
Classification: Uncertain significance for Inborn genetic diseases. Last evaluated: 2023-06-16. Review status: criteria provided, single submitter. Criteria: Ambry Variant Classification Scheme 2023. Collection method: clinical testing. Allele origin: germline.

New York Genome Center
Classification: Uncertain significance for Amyotrophic lateral sclerosis type 21. Last evaluated: 2021-05-21. Review status: criteria provided, single submitter. Criteria: NYGC Assertion Criteria 2020. Collection method: clinical testing. Allele origin: inherited. Observed: 1 heterozygote. Study: CSER-NYCKidSeq.

Genomic Research Center, Shahid Beheshti University of Medical Sciences
Classification: Uncertain significance for Amyotrophic lateral sclerosis 21. Last evaluated: 2019-04-27. Review status: criteria provided, single submitter. Criteria: ACMG Guidelines, 2015. Collection method: clinical testing. Allele origin: unknown. Affected: yes.

NM_018834.6(MATR3):c.2038G>A (p.Asp680Asn)

Genes: MATR3 (matrin 3; plus strand), LOC126807526 (CDK7 strongly-dependent group 2 enhancer GRCh37_chr5:138657767-138658966; plus strand). Cytogenetic location: 5q31.2.
Variant type: single nucleotide variant.
Coding change: c.2038G>A on transcript NM_018834.6 (MANE Select); coding-DNA position 2038, G replaced by A.
Protein change: p.Asp680Asn; replaces aspartic acid 680 with asparagine.
Molecular consequence: missense variant.
Genome position (GRCh38, 1-based): chr5:139,322,857, G>A. VCF-style: chr5-139322857-G-A. GRCh37 (hg19) VCF-style: chr5-138658546-G-A.
Other names: c.2038G>A, p.Asp680Asn (NM_199189.3, NM_001194954.2, NM_001194955.2); c.1174G>A, p.Asp392Asn (NM_001194956.2); c.1024G>A, p.Asp342Asn (NM_001282278.2); short protein forms D680N, D392N, D342N.
Identifiers: ClinVar variation 474081 (VCV000474081.14), dbSNP rs752161415, ClinGen allele CA3433292.